The following is an entry in ClinVar:

ClinVar aggregate classification (germline): Uncertain significance. Review status: criteria provided, multiple submitters, no conflicts (2 of 4 stars). 3 submissions from 3 submitters: Uncertain significance (3). Last evaluated 2026-01-25.

Conditions:
Hereditary cancer-predisposing syndrome. Also called: Hereditary neoplastic syndrome; Tumor predisposition; Neoplastic Syndromes, Hereditary; Hereditary Cancer Syndrome. Identifiers: Orphanet 140162, MedGen C0027672, MeSH D009386, MONDO:0015356.
Familial cancer of breast. Also called: Hereditary breast cancer; hereditary breast carcinoma; BREAST CANCER, FAMILIAL. Identifiers: Orphanet 227535, MedGen C0346153, MONDO:0016419, OMIM 114480. Disease mechanism: loss of function.

Submissions (3):

Labcorp Genetics (formerly Invitae), Labcorp
Classification: Uncertain significance for Familial cancer of breast. Last evaluated: 2026-01-25. Review status: criteria provided, single submitter. Criteria: Invitae Variant Classification Sherloc (09022015). Collection method: clinical testing. Allele origin: germline.
Comment: This sequence change replaces arginine, which is basic and polar, with lysine, which is basic and polar, at codon 148 of the CHEK2 protein (p.Arg148Lys). This variant is not present in population databases (gnomAD no frequency). This variant has not been reported in the literature in individuals affected with CHEK2-related conditions. ClinVar contains an entry for this variant (Variation ID: 479576). An algorithm developed to predict the effect of missense changes on protein structure and function (PolyPhen-2) suggests that this variant is likely to be disruptive. In summary, the available evidence is currently insufficient to determine the role of this variant in disease. Therefore, it has been classified as a Variant of Uncertain Significance.

CeGaT Center for Human Genetics Tuebingen
Classification: Uncertain significance. Last evaluated: 2025-07-01. Review status: criteria provided, single submitter. Criteria: CeGaT Center For Human Genetics Tuebingen Variant Classification Criteria Version 2. Collection method: clinical testing. Allele origin: germline. Affected: yes. Observed: 1 variant allele.
Comment: CHEK2: PM2, BP1

Ambry Genetics
Classification: Uncertain significance for Hereditary cancer-predisposing syndrome. Last evaluated: 2024-11-19. Review status: criteria provided, single submitter. Criteria: Ambry Variant Classification Scheme 2023. Collection method: clinical testing. Allele origin: germline.
Comment: The p.R148K variant (also known as c.443G>A), located in coding exon 2 of the CHEK2 gene, results from a G to A substitution at nucleotide position 443. The arginine at codon 148 is replaced by lysine, an amino acid with highly similar properties. This amino acid position is highly conserved in available vertebrate species. In addition, the in silico prediction for this alteration is inconclusive. Based on the available evidence, the clinical significance of this variant remains unclear.

NM_007194.4(CHEK2):c.443G>A (p.Arg148Lys)

Gene: CHEK2 (checkpoint kinase 2; minus strand). Cytogenetic location: 22q12.1.
Variant type: single nucleotide variant.
Coding change: c.443G>A on transcript NM_007194.4 (MANE Select); coding-DNA position 443, G replaced by A.
Protein change: p.Arg148Lys; replaces arginine 148 with lysine.
Molecular consequence: missense variant.
Genome position (GRCh38, 1-based): chr22:28,725,244, C>T on the plus strand (G>A on the coding strand, the complement: CHEK2 is on the minus strand). VCF-style: chr22-28725244-C-T. GRCh37 (hg19) VCF-style: chr22-29121232-C-T.
Other names: c.572G>A, p.Arg191Lys (NM_001005735.3); c.-335G>A (NM_001257387.3); c.443G>A, p.Arg148Lys (NM_001349956.3, NM_145862.3); short protein forms R148K, R191K.
Identifiers: ClinVar variation 479576 (VCV000479576.21), dbSNP rs142966756, ClinGen allele CA411107845.